The following is an entry in ClinVar:

NM_022114.4(PRDM16):c.2603+6C>T

Gene: PRDM16 (PR/SET domain 16; plus strand). Cytogenetic location: 1p36.32.
Variant type: single nucleotide variant.
Coding change: c.2603+6C>T on transcript NM_022114.4 (MANE Select); 6 bases into the intron after coding-DNA position 2603, C replaced by T.
Molecular consequence: intron variant.
Genome position (GRCh38, 1-based): chr1:3,412,806, C>T. VCF-style: chr1-3412806-C-T. GRCh37 (hg19) VCF-style: chr1-3329370-C-T.
Other names: c.2603+6C>T (NM_199454.3).
Identifiers: ClinVar variation 541394 (VCV000541394.51), dbSNP rs374549827, ClinGen allele CA544514.
Genomic context (GRCh38, chr1:3,412,806, plus strand): 5'-AGCCCCCGCTCCACTACGCCAAGCCCTCGCCCTTCTTCATGGACCCCATCTACAGGTATT[C>T]AGCACCCCAGCCTCACTGGCTCTCCCTGGGGCGGGGCCGCGGCGGTGCTGGGCGGGCTCA-3'

ClinVar aggregate classification (germline): Benign/Likely benign. Review status: criteria provided, multiple submitters, no conflicts (2 of 4 stars). 11 submissions from 11 submitters: Benign (1); Likely benign (6). 4 of the submissions do not count toward it. Last evaluated 2026-01-10.

Conditions:
PRDM16-related disorder. Also called: PRDM16-related condition.
Left ventricular noncompaction 8 (LVNC8). Identifiers: Orphanet 154, Orphanet 54260, MedGen C3809288, MONDO:0014152, OMIM 615373.

Allele frequency attached by ClinVar (database versions not stated): ExAC 0.00044; TOPMed 0.00053; gnomAD 0.00056 and 0.00058; ESP Exome Variant Server 0.00034; gnomAD exomes 0.00034.
gnomAD v4.1: 1,108 of 1,448,262 alleles (0.077%); highest among the groups gnomAD compares: Non-Finnish European, 0.097%; 1 homozygote.

Submissions (11):

Labcorp Genetics (formerly Invitae), Labcorp
Classification: Likely benign for Left ventricular noncompaction 8. Last evaluated: 2026-01-10. Review status: criteria provided, single submitter. Criteria: Invitae Variant Classification Sherloc (09022015). Collection method: clinical testing. Allele origin: germline.

CeGaT Center for Human Genetics Tuebingen
Classification: Likely benign. Last evaluated: 2025-08-01. Review status: criteria provided, single submitter. Criteria: CeGaT Center For Human Genetics Tuebingen Variant Classification Criteria Version 2. Collection method: clinical testing. Allele origin: germline. Affected: yes. Observed: 2 variant alleles.
Comment: PRDM16: BP4, BS2

ARUP Laboratories, Molecular Genetics and Genomics, ARUP Laboratories
Classification: Likely benign. Last evaluated: 2025-02-25. Review status: criteria provided, single submitter. Criteria: ARUP Molecular Germline Variant Investigation Process 2024. Collection method: clinical testing. Allele origin: germline.

Women's Health and Genetics/Laboratory Corporation of America, LabCorp
Classification: Benign. Last evaluated: 2025-02-08. Review status: criteria provided, single submitter. Criteria: LabCorp Variant Classification Summary - May 2015. Collection method: clinical testing. Allele origin: germline.

Blueprint Genetics
Classification: Likely benign. Last evaluated: 2024-10-30. Review status: criteria provided, single submitter. Criteria: ACMG Guidelines, 2015. Collection method: clinical testing. Allele origin: germline.

Fulgent Genetics
Classification: Likely benign for Left ventricular noncompaction 8. Last evaluated: 2021-11-15. Review status: criteria provided, single submitter. Criteria: ACMG Guidelines, 2015. Collection method: clinical testing. Allele origin: unknown.

GeneDx
Classification: Likely benign. Last evaluated: 2021-10-28. Review status: criteria provided, single submitter. Criteria: GeneDx Variant Classification Process June 2021. Collection method: clinical testing. Allele origin: germline. Affected: yes.

PreventionGenetics, part of Exact Sciences
Classification: Likely benign for PRDM16-related condition. Last evaluated: 2022-08-19. Review status: no assertion criteria provided. Collection method: clinical testing. Allele origin: germline. Not counted in ClinVar's aggregate classification.
Comment: This variant is classified as likely benign based on ACMG/AMP sequence variant interpretation guidelines (Richards et al. 2015 PMID: 25741868, with internal and published modifications).

Clinical Genetics DNA and cytogenetics Diagnostics Lab, Erasmus MC, Erasmus Medical Center
Classification: Benign. Review status: no assertion criteria provided. Collection method: clinical testing. Allele origin: germline. Affected: yes. Study: VKGL Data-share Consensus. Not counted in ClinVar's aggregate classification.

Clinical Genetics, Academic Medical Center
Classification: Benign. Review status: no assertion criteria provided. Collection method: clinical testing. Allele origin: germline. Affected: yes. Study: VKGL Data-share Consensus. Not counted in ClinVar's aggregate classification.

Joint Genome Diagnostic Labs from Nijmegen and Maastricht, Radboudumc and MUMC+
Classification: Likely benign. Review status: no assertion criteria provided. Collection method: clinical testing. Allele origin: germline. Affected: yes. Study: VKGL Data-share Consensus. Not counted in ClinVar's aggregate classification.